The following is an entry in ClinVar:

ClinVar aggregate classification (germline): Uncertain significance (1 of 4 stars; one submission).

Conditions:
Inborn genetic diseases. Identifiers: MedGen C0950123, MeSH D030342.

Submission:

Ambry Genetics
Classification: Uncertain significance for Inborn genetic diseases. Last evaluated: 2026-09-13. Review status: criteria provided, single submitter. Criteria: Ambry Variant Classification Scheme 2023. Collection method: clinical testing. Allele origin: germline.
Comment: The p.A1123T variant (also known as c.3367G>A), located in coding exon 15 of the MECOM gene, results from a G to A substitution at nucleotide position 3367. The alanine at codon 1123 is replaced by threonine, an amino acid with similar properties. This amino acid position is conserved. In addition, this alteration is predicted to be tolerated by in silico analysis. Based on the available evidence, the clinical significance of this variant remains unclear.

NM_004991.4(MECOM):c.3367G>A (p.Ala1123Thr)

Gene: MECOM (MDS1 and EVI1 complex locus; minus strand). Cytogenetic location: 3q26.2.
Variant type: single nucleotide variant.
Coding change: c.3367G>A on transcript NM_004991.4 (MANE Select); coding-DNA position 3367, G replaced by A.
Protein change: p.Ala1123Thr; replaces alanine 1123 with threonine.
Molecular consequence: missense variant.
Genome position (GRCh38, 1-based): chr3:169,090,034, C>T on the plus strand (G>A on the coding strand, the complement: MECOM is on the minus strand). VCF-style: chr3-169090034-C-T. GRCh37 (hg19) VCF-style: chr3-168807822-C-T.
Other names: c.2998G>A, p.Ala1000Thr (NM_001105077.4); c.2803G>A, p.Ala935Thr (NM_001105078.4, NM_001205194.2, NM_001366469.2 and 1 more transcripts); c.2779G>A, p.Ala927Thr (NM_001163999.2, NM_001366470.2); c.2776G>A, p.Ala926Thr (NM_001164000.2, NM_001366471.2, NM_001366472.2); c.3340G>A, p.Ala1114Thr (NM_001366466.2); c.2806G>A, p.Ala936Thr (NM_001366467.2, NM_001366468.2); c.2368G>A, p.Ala790Thr (NM_001366473.2); c.1804G>A, p.Ala602Thr (NM_001366474.2); short protein forms A1114T, A1123T, A935T, A1000T, A926T, A936T, A602T, A790T.
Identifiers: ClinVar variation 5024218 (VCV005024218.1).
Genomic context (GRCh38, chr3:169,090,034, plus strand): 5'-TTTCTAAAGTCACCCAAGGTACTCACCTCACTGGGGATGTCTTGCAACTCATCTCCAGGG[C>T]ACTGGTTTCTTCATAGTCATCCTCAGGGTTTCCTTCATGTAAATTACTTGTCACTGGTTC-3'
Protein context (NP_004982.2, residues 1113-1133): NPEDDYEETS[Ala1123Thr]LEMSCKTSPV